The following is an entry in ClinVar:

NM_020911.2(PLXNA4):c.1644C>T (p.Pro548=)

Gene: PLXNA4 (plexin A4; minus strand). Cytogenetic location: 7q32.3.
Variant type: single nucleotide variant.
Coding change: c.1644C>T on transcript NM_020911.2 (MANE Select); coding-DNA position 1644, C replaced by T.
Protein change: p.Pro548=; no amino-acid change (proline 548 retained).
Molecular consequence: synonymous variant.
Genome position (GRCh38, 1-based): chr7:132,228,430, G>A on the plus strand (C>T on the coding strand, the complement: PLXNA4 is on the minus strand). VCF-style: chr7-132228430-G-A. GRCh37 (hg19) VCF-style: chr7-131913189-G-A.
Other names: c.1644C>T, p.Pro548= (NM_001393897.1).
Identifiers: ClinVar variation 3358586 (VCV003358586.1).
Genomic context (GRCh38, chr7:132,228,430, plus strand): 5'-GATATTGTTGGGATGGACCGTCAGCCGGACACACTGCTTCATCTCCGAGGCAAACCTGCG[G>A]GGCTCCTTGGACCGCTCACACCGCTCCTTCCGGGTGCAACTGGGAAGGACATACCCTCGA-3'
Protein context (NP_065962.1, residues 538-558): RKERCERSKE[Pro548=]RRFASEMKQC

ClinVar aggregate classification (germline): Likely benign (0 of 4 stars; one submission).

Conditions:
PLXNA4-related disorder. Also called: PLXNA4-related condition.

gnomAD v4.1: 2 of 1,614,134 alleles (0.00012%); highest among the groups gnomAD compares: Non-Finnish European, 0.00017%; no homozygotes.

Submission:

PreventionGenetics, part of Exact Sciences
Classification: Likely benign for PLXNA4-related condition. Last evaluated: 2023-02-18. Review status: no assertion criteria provided. Collection method: clinical testing. Allele origin: germline.
Comment: This variant is classified as likely benign based on ACMG/AMP sequence variant interpretation guidelines (Richards et al. 2015 PMID: 25741868, with internal and published modifications).